The following is an entry in ClinVar:

ClinVar aggregate classification (germline): Likely benign. Review status: criteria provided, multiple submitters, no conflicts (2 of 4 stars). 8 submissions from 8 submitters: Likely benign (8). Last evaluated 2026-01-25.

Conditions:
Inborn genetic diseases. Identifiers: MedGen C0950123, MeSH D030342.

Allele frequency attached by ClinVar (database versions not stated): ESP Exome Variant Server 0.00008; ExAC 0.00018; gnomAD exomes 0.00025; 1000 Genomes Project 30x 0.00031; gnomAD 0.00031 and 0.00033; 1000 Genomes Project 0.00040; TOPMed 0.00048.

Submissions (8):

Labcorp Genetics (formerly Invitae), Labcorp
Classification: Likely benign. Last evaluated: 2026-01-25. Review status: criteria provided, single submitter. Criteria: Invitae Variant Classification Sherloc (09022015). Collection method: clinical testing. Allele origin: germline.

Mayo Clinic Laboratories, Mayo Clinic
Classification: Likely benign. Last evaluated: 2025-09-15. Review status: criteria provided, single submitter. Criteria: ACMG Guidelines, 2015. Collection method: clinical testing. Allele origin: germline. Observed: 1 variant allele.
Comment: BS1, BP4, BP7

Laboratory of Genetics, Children's Clinical University Hospital Latvia
Classification: Likely benign. Last evaluated: 2025-02-16. Review status: criteria provided, single submitter. Criteria: ACMG Guidelines, 2015. Collection method: clinical testing. Allele origin: germline. Affected: yes.

ARUP Laboratories, Molecular Genetics and Genomics, ARUP Laboratories
Classification: Likely benign. Last evaluated: 2025-02-12. Review status: criteria provided, single submitter. Criteria: ARUP Molecular Germline Variant Investigation Process 2024. Collection method: clinical testing. Allele origin: germline.

Blueprint Genetics
Classification: Likely benign. Last evaluated: 2024-10-15. Review status: criteria provided, single submitter. Criteria: ACMG Guidelines, 2015. Collection method: clinical testing. Allele origin: germline.

Ambry Genetics
Classification: Likely benign for Inborn genetic diseases. Last evaluated: 2024-10-02. Review status: criteria provided, single submitter. Criteria: Ambry Variant Classification Scheme 2023. Collection method: clinical testing. Allele origin: germline.

Genetic Services Laboratory, University of Chicago
Classification: Likely benign. Last evaluated: 2018-10-09. Review status: criteria provided, single submitter. Criteria: ACMG Guidelines, 2015. Collection method: clinical testing. Allele origin: germline. Affected: no.

Breakthrough Genomics
Classification: Likely benign. Review status: criteria provided, single submitter. Criteria: ACMG Guidelines, 2015. Collection method: not provided. Allele origin: germline. Inheritance: Autosomal dominant inheritance. Affected: yes.

NM_152703.5(SAMD9L):c.4491T>C (p.Phe1497=)

Gene: SAMD9L (sterile alpha motif domain containing 9 like; minus strand). Cytogenetic location: 7q21.2.
Variant type: single nucleotide variant.
Coding change: c.4491T>C on transcript NM_152703.5 (MANE Select); coding-DNA position 4491, T replaced by C.
Protein change: p.Phe1497=; no amino-acid change (phenylalanine 1497 retained).
Molecular consequence: synonymous variant.
Genome position (GRCh38, 1-based): chr7:93,131,481, A>G on the plus strand (T>C on the coding strand, the complement: SAMD9L is on the minus strand). VCF-style: chr7-93131481-A-G. GRCh37 (hg19) VCF-style: chr7-92760794-A-G.
Other names: p.Phe1497=; c.4491T>C, p.Phe1497= (NM_001303496.3, NM_001303497.3, NM_001303498.3 and 5 more transcripts); c.4491T>C (NM_152703.2).
Identifiers: ClinVar variation 727703 (VCV000727703.18), dbSNP rs200166375, ClinGen allele CA4343293.
Genomic context (GRCh38, chr7:93,131,481, plus strand): 5'-TTCATTTTTTTTCCACACATCCCCACTGTGCCAGAGGGAATTTGTATTTTGTGCTTTATC[A>G]AAGTACTGCTCTATTTTGGCCTTGTGAACAATACTGTTTAGACCCTTCCTTTTGCCCAGA-3'
Protein context (NP_689916.2, residues 1487-1507): IVHKAKIEQY[Phe1497=]DKAQNTNSLW